The following is an entry in ClinVar:

NM_024928.5(STN1):c.245del (p.Gly82fs)

Gene: STN1 (STN1 subunit of CST complex; minus strand). Cytogenetic location: 10q24.33.
Variant type: Deletion.
Coding change: c.245del on transcript NM_024928.5 (MANE Select); coding-DNA position 245, one base deleted (G; older notation c.245delG).
Protein change: p.Gly82fs; shifts the reading frame from glycine 82.
Molecular consequence: frameshift variant.
Genome position (GRCh38, 1-based): chr10:103,905,141, C deleted on the plus strand (G on the coding strand, the reverse complement: STN1 is on the minus strand); the first of 2 consecutive C bases (chr10:103,905,141-103,905,142); deleting either gives the same sequence. VCF-style (leftmost placement, unchanged base first): chr10-103905140-TC-T. GRCh37 (hg19) VCF-style: chr10-105664898-TC-T.
Other names: short protein forms G82fs.
Identifiers: ClinVar variation 1383496 (VCV001383496.6), dbSNP rs1564634262, ClinGen allele CA595683637.

ClinVar aggregate classification (germline): Uncertain significance (1 of 4 stars; one submission).

Submission:

Labcorp Genetics (formerly Invitae), Labcorp
Classification: Uncertain significance. Last evaluated: 2021-09-26. Review status: criteria provided, single submitter. Criteria: Invitae Variant Classification Sherloc (09022015). Collection method: clinical testing. Allele origin: germline.
Comment: This sequence change creates a premature translational stop signal (p.Gly82Glufs*3) in the STN1 gene. It is expected to result in an absent or disrupted protein product. However, the current clinical and genetic evidence is not sufficient to establish whether loss-of-function variants in STN1 cause disease. This variant is not present in population databases (ExAC no frequency). This variant has not been reported in the literature in individuals affected with STN1-related conditions. In summary, the available evidence is currently insufficient to determine the role of this variant in disease. Therefore, it has been classified as a Variant of Uncertain Significance.